The following is an entry in ClinVar:

NM_012186.3(FOXE3):c.398C>A (p.Pro133His)

Genes: FOXE3 (forkhead box E3; plus strand), LINC01389 (long intergenic non-protein coding RNA 1389; minus strand). Cytogenetic location: 1p33.
Variant type: single nucleotide variant.
Coding change: c.398C>A on transcript NM_012186.3 (MANE Select); coding-DNA position 398, C replaced by A.
Protein change: p.Pro133His; replaces proline 133 with histidine.
Molecular consequence: missense variant.
Genome position (GRCh38, 1-based): chr1:47,416,713, C>A. VCF-style: chr1-47416713-C-A. GRCh37 (hg19) VCF-style: chr1-47882385-C-A.
Other names: short protein forms P133H.
Identifiers: ClinVar variation 1326971 (VCV001326971.3), dbSNP rs759971494, ClinGen allele CA340249864.
Genomic context (GRCh38, chr1:47,416,713, plus strand): 5'-GCAAGTGGCAGAACAGCATCCGCCACAATCTCACGCTCAACGACTGCTTCGTCAAGGTGC[C>A]CCGCGAGCCGGGCAACCCGGGCAAGGGCAACTACTGGACGCTGGACCCCGCGGCCGCAGA-3'
Protein context (NP_036318.1, residues 123-143): LTLNDCFVKV[Pro133His]REPGNPGKGN

ClinVar aggregate classification (germline): Uncertain significance (1 of 4 stars; one submission).

Conditions:
Familial thoracic aortic aneurysm and aortic dissection (TAAD). Also called: Thoracic aortic aneurysms and dissections. Identifiers: Orphanet 91387, MedGen C4707243, MONDO:0019625.

Submission:

Molecular Genetics, Royal Melbourne Hospital
Classification: Uncertain significance for Familial thoracic aortic aneurysm and aortic dissection. Last evaluated: 2021-11-11. Review status: criteria provided, single submitter. Criteria: ACMG Guidelines, 2015. Collection method: clinical testing. Allele origin: germline. Affected: yes.
Comment: This sequence change in FOXE3 is predicted to replace proline with histidine at codon 133 (p.(Pro133His)). The proline residue is highly conserved (100 vertebrates, UCSC), and is located in the forkhead domain adjacent to the missense variants likely associated with familial thoracic aortic aneurysm (PMID: 26854927). There is a moderate physicochemical difference between proline and histidine. This variant is absent from gnomAD v2.1 and v3.1. To our knowledge, this variant has not been reported in the literature in any individuals with FOXE3-related disease. Multiple lines of computational evidence predict a deleterious effect for the missense substitution (5/6 algorithms). Based on the classification scheme RMH Modified ACMG Guidelines v1.4.0, this variant is classified as a VARIANT OF UNCERTAIN SIGNIFICANCE. Following criteria are met: PM2_Supporting, PP3.

Literature cited by the submitters: PubMed 26854927.